The following is an entry in ClinVar:

NM_001330195.2(NRXN3):c.4094-100G>A

Gene: NRXN3 (neurexin 3; plus strand). Cytogenetic location: 14q31.1.
Variant type: single nucleotide variant.
Coding change: c.4094-100G>A on transcript NM_001330195.2 (MANE Select); 100 bases into the intron before coding-DNA position 4094, G replaced by A.
Molecular consequence: intron variant. On other transcripts: missense variant (1), non-coding transcript variant (5).
Genome position (GRCh38, 1-based): chr14:79,861,242, G>A. VCF-style: chr14-79861242-G-A. GRCh37 (hg19) VCF-style: chr14-80327585-G-A.
Other names: c.1192G>A, p.Gly398Ser (NM_001272020.2); c.4106-421G>A (NM_001366426.1); c.4004-100G>A (NM_001366425.1); c.2885-421G>A (NM_004796.6); c.1079-421G>A (NM_001105250.3); c.998-421G>A (NM_138970.5); short protein forms G398S.
Identifiers: ClinVar variation 2630376 (VCV002630376.1), dbSNP rs969254493, ClinGen allele CA264251692.
Genomic context (GRCh38, chr14:79,861,242, plus strand): 5'-ACCTCTGAGGCGGGGTTACCTTGCTTGTCGGACCAAGGCAGCGATGGTTGTGATGATGAT[G>A]GCTTGGTGATATCTGGGTATGGCTCAGGGGAAACCTTTGACTCTAACCTGCCCCCTACTG-3'

ClinVar aggregate classification (germline): Uncertain significance (1 of 4 stars; one submission).

Conditions:
NRXN3-related disorder. Also called: NRXN3-related condition.

Allele frequency attached by ClinVar (database versions not stated): gnomAD exomes 0.00001; gnomAD 0.00004; TOPMed 0.00009.
gnomAD v4.1: 11 of 1,535,494 alleles (0.00072%); highest among the groups gnomAD compares: Admixed American, 0.016%; no homozygotes.

Submission:

PreventionGenetics, part of Exact Sciences
Classification: Uncertain significance for NRXN3-related condition. Last evaluated: 2023-04-17. Review status: criteria provided, single submitter. Criteria: ACMG Guidelines, 2015. Collection method: clinical testing. Allele origin: germline.
Comment: The NRXN3 c.1192G>A variant is predicted to result in the amino acid substitution p.Gly398Ser. To our knowledge, this variant has not been reported in the literature or in a large population database, indicating this variant is rare. At this time, the clinical significance of this variant is uncertain due to the absence of conclusive functional and genetic evidence.